The following is an entry in ClinVar:

NM_006118.4(HAX1):c.547G>C (p.Glu183Gln)

Gene: HAX1 (HCLS1 associated protein X-1; plus strand). Cytogenetic location: 1q21.3.
Variant type: single nucleotide variant.
Coding change: c.547G>C on transcript NM_006118.4 (MANE Select); coding-DNA position 547, G replaced by C.
Protein change: p.Glu183Gln; replaces glutamic acid 183 with glutamine.
Molecular consequence: missense variant.
Genome position (GRCh38, 1-based): chr1:154,274,992, G>C. VCF-style: chr1-154274992-G-C. GRCh37 (hg19) VCF-style: chr1-154247468-G-C.
Other names: c.403G>C, p.Glu135Gln (NM_001018837.2); short protein forms E183Q, E135Q.
Identifiers: ClinVar variation 3524096 (VCV003524096.2).

ClinVar aggregate classification (germline): Uncertain significance. Review status: criteria provided, multiple submitters, no conflicts (2 of 4 stars). 2 submissions from 2 submitters: Uncertain significance (2). Last evaluated 2026-01-22.

Conditions:
Inborn genetic diseases. Identifiers: MedGen C0950123, MeSH D030342.
Kostmann syndrome (SCN3). Also called: Autosomal recessive severe congenital neutropenia type 3; KOSTMANN DISEASE. Identifiers: Orphanet 99749, MedGen C5235141, MONDO:0012548, OMIM 610738.

gnomAD v4.1: 5 of 1,610,318 alleles (0.00031%); highest among the groups gnomAD compares: African/African-American, 0.004%; no homozygotes.

Submissions (2):

Labcorp Genetics (formerly Invitae), Labcorp
Classification: Uncertain significance for Kostmann syndrome. Last evaluated: 2026-01-22. Review status: criteria provided, single submitter. Criteria: Invitae Variant Classification Sherloc (09022015). Collection method: clinical testing. Allele origin: germline.
Comment: This sequence change replaces glutamic acid, which is acidic and polar, with glutamine, which is neutral and polar, at codon 183 of the HAX1 protein (p.Glu183Gln). This variant is not present in population databases (gnomAD no frequency). This variant has not been reported in the literature in individuals affected with HAX1-related conditions. ClinVar contains an entry for this variant (Variation ID: 3524096). Invitae Evidence Modeling of protein sequence and biophysical properties (such as structural, functional, and spatial information, amino acid conservation, physicochemical variation, residue mobility, and thermodynamic stability) indicates that this missense variant is not expected to disrupt HAX1 protein function with a negative predictive value of 80%. In summary, the available evidence is currently insufficient to determine the role of this variant in disease. Therefore, it has been classified as a Variant of Uncertain Significance.

Ambry Genetics
Classification: Uncertain significance for Inborn genetic diseases. Last evaluated: 2024-12-04. Review status: criteria provided, single submitter. Criteria: Ambry Variant Classification Scheme 2023. Collection method: clinical testing. Allele origin: germline.
Comment: The p.E183Q variant (also known as c.547G>C), located in coding exon 4 of the HAX1 gene, results from a G to C substitution at nucleotide position 547. The glutamic acid at codon 183 is replaced by glutamine, an amino acid with highly similar properties. This amino acid position is conserved. In addition, this alteration is predicted to be tolerated by in silico analysis. Based on the available evidence, the clinical significance of this variant remains unclear.